The following is an entry in ClinVar:

NM_004655.4(AXIN2):c.747C>T (p.Gly249=)

Gene: AXIN2 (axin 2; minus strand). Cytogenetic location: 17q24.1.
Variant type: single nucleotide variant.
Coding change: c.747C>T on transcript NM_004655.4 (MANE Select); coding-DNA position 747, C replaced by T.
Protein change: p.Gly249=; no amino-acid change (glycine 249 retained).
Molecular consequence: synonymous variant.
Genome position (GRCh38, 1-based): chr17:65,557,874, G>A on the plus strand (C>T on the coding strand, the complement: AXIN2 is on the minus strand). VCF-style: chr17-65557874-G-A. GRCh37 (hg19) VCF-style: chr17-63553992-G-A.
Other names: c.747C>T, p.Gly249= (NM_001363813.1).
Identifiers: ClinVar variation 3254349 (VCV003254349.2), dbSNP rs2044293571.

ClinVar aggregate classification (germline): Benign/Likely benign. Review status: criteria provided, multiple submitters, no conflicts (2 of 4 stars). 2 submissions from 2 submitters: Benign (1); Likely benign (1). Last evaluated 2024-11-05.

Conditions:
Oligodontia-cancer predisposition syndrome. Also called: TOOTH AGENESIS-COLORECTAL CANCER SYNDROME. Identifiers: Orphanet 300576, MedGen C1837750, MONDO:0012075, OMIM 608615. Disease mechanism: loss of function.
Hereditary cancer-predisposing syndrome. Also called: Hereditary Cancer Syndrome; Tumor predisposition; Hereditary neoplastic syndrome; Neoplastic Syndromes, Hereditary. Identifiers: Orphanet 140162, MedGen C0027672, MeSH D009386, MONDO:0015356.

Submissions (2):

Ambry Genetics
Classification: Likely benign for Hereditary cancer-predisposing syndrome. Last evaluated: 2024-11-05. Review status: criteria provided, single submitter. Criteria: Ambry Variant Classification Scheme 2023. Collection method: clinical testing. Allele origin: germline.

Myriad Genetics, Inc.
Classification: Benign for Oligodontia-cancer predisposition syndrome. Last evaluated: 2024-06-27. Review status: criteria provided, single submitter. Criteria: Myriad Autosomal Dominant, Autosomal Recessive and X-Linked Classification Criteria (2023). Collection method: clinical testing. Allele origin: unknown.
Comment: This variant is considered benign. This variant is a silent/synonymous amino acid change and it is not expected to impact splicing.